The following is an entry in ClinVar:

ClinVar aggregate classification (germline): Uncertain significance. Review status: criteria provided, multiple submitters, no conflicts (2 of 4 stars). 3 submissions from 3 submitters: Uncertain significance (3). Last evaluated 2026-04-20.

Conditions:
Insulin-dependent diabetes mellitus secretory diarrhea syndrome (IPEX). Also called: DIABETES MELLITUS, CONGENITAL INSULIN-DEPENDENT, WITH FATAL SECRETORY DIARRHEA; DIARRHEA, POLYENDOCRINOPATHY, FATAL INFECTION SYNDROME, X-LINKED; ENTEROPATHY, AUTOIMMUNE, WITH HEMOLYTIC ANEMIA AND POLYENDOCRINOPATHY; IMMUNODEFICIENCY, POLYENDOCRINOPATHY, AND ENTEROPATHY, X-LINKED; Immunodysregulation, polyendocrinopathy, and enteropathy, X-linked; X-Linked Autoimmunity-Allergic Dysregulation Syndrome. Identifiers: Orphanet 37042, MedGen C0342288, MONDO:0010580, OMIM 304790. Disease mechanism: loss of function.

Allele frequency attached by ClinVar (database versions not stated): ESP Exome Variant Server 0.00009; gnomAD exomes 0.00002; ExAC 0.00004.
gnomAD v4.1: 21 of 1,211,345 alleles (0.0017%); highest among the groups gnomAD compares: South Asian, 0.0053%; no homozygotes.

Submissions (3):

Precision Medical Center, Wuhan Children's Hospital
Classification: Uncertain significance for Insulin-dependent diabetes mellitus secretory diarrhea syndrome. Last evaluated: 2026-04-20. Review status: criteria provided, single submitter. Criteria: ACMG Guidelines, 2015. Collection method: clinical testing. Allele origin: germline. Inheritance: X-linked recessive inheritance. Affected: yes.
Comment: The NM_014009.4 c.1249C>T, is a missense mutation in FOXP3 gene . The variation is located in a hotspot mutation region and/or in a critical functional domain known to be devoid of benign variations (PM1). The variation does not exist or is very rare in the population database (PM2). More than two bioinformatics methods predict that variations have an impact on genes (gene products) (PP3). In summary, this variant meets criteria to be classified as Variants of Uncertain Significance.

Labcorp Genetics (formerly Invitae), Labcorp
Classification: Uncertain significance for Insulin-dependent diabetes mellitus secretory diarrhea syndrome. Last evaluated: 2025-11-06. Review status: criteria provided, single submitter. Criteria: Invitae Variant Classification Sherloc (09022015). Collection method: clinical testing. Allele origin: germline.
Comment: This sequence change replaces arginine, which is basic and polar, with tryptophan, which is neutral and slightly polar, at codon 417 of the FOXP3 protein (p.Arg417Trp). This variant is present in population databases (rs145368924, gnomAD 0.005%). This missense change has been observed in individual(s) with FOXP3-related conditions (PMID: 37898571). ClinVar contains an entry for this variant (Variation ID: 2718682). Invitae Evidence Modeling of protein sequence and biophysical properties (such as structural, functional, and spatial information, amino acid conservation, physicochemical variation, residue mobility, and thermodynamic stability) has been performed for this missense variant. However, the output from this modeling did not meet the statistical confidence thresholds required to predict the impact of this variant on FOXP3 protein function. In summary, the available evidence is currently insufficient to determine the role of this variant in disease. Therefore, it has been classified as a Variant of Uncertain Significance.

Fulgent Genetics
Classification: Uncertain significance for Insulin-dependent diabetes mellitus secretory diarrhea syndrome. Last evaluated: 2024-06-15. Review status: criteria provided, single submitter. Criteria: ACMG Guidelines, 2015. Collection method: clinical testing. Allele origin: germline.

Literature cited by the submitters: PubMed 11137993 (cited by Precision Medical Center, Wuhan Children's Hospital); PubMed 37898571 (cited by Labcorp Genetics (formerly Invitae), Labcorp).

NM_014009.4(FOXP3):c.1249C>T (p.Arg417Trp)

Gene: FOXP3 (forkhead box P3; minus strand). Cytogenetic location: Xp11.23.
Variant type: single nucleotide variant.
Coding change: c.1249C>T on transcript NM_014009.4 (MANE Select); coding-DNA position 1249, C replaced by T.
Protein change: p.Arg417Trp; replaces arginine 417 with tryptophan.
Molecular consequence: missense variant.
Genome position (GRCh38, 1-based): chrX:49,251,381, G>A on the plus strand (C>T on the coding strand, the complement: FOXP3 is on the minus strand). VCF-style: chrX-49251381-G-A. GRCh37 (hg19) VCF-style: chrX-49107842-G-A.
Other names: c.1144C>T, p.Arg382Trp (NM_001114377.2); short protein forms R382W, R417W.
Identifiers: ClinVar variation 2718682 (VCV002718682.4), dbSNP rs145368924, ClinGen allele CA10411634.
Genomic context (GRCh38, chrX:49,251,381, plus strand): 5'-CTTGATCTTGAGGTCAGGGGCCAGGTGTAGGGTTGGAACACCTGCTGGGCCTCTGGCTCC[G>A]TTTCTTGCGGAACTCCAGCTCATCCACGGTCCACACAGCCCCCTTCTCGCTCTCCACCCG-3'
Protein context (NP_054728.2, residues 407-427): TVDELEFRKK[Arg417Trp]SQRPSRCSNP